The following is an entry in ClinVar:

NM_000342.4(SLC4A1):c.1602T>A (p.Tyr534Ter)

Gene: SLC4A1 (solute carrier family 4 member 1 (Diego blood group); minus strand). Cytogenetic location: 17q21.31.
Variant type: single nucleotide variant.
Coding change: c.1602T>A on transcript NM_000342.4 (MANE Select); coding-DNA position 1602, T replaced by A.
Protein change: p.Tyr534Ter; replaces tyrosine 534 with a stop codon.
Molecular consequence: nonsense.
Genome position (GRCh38, 1-based): chr17:44,257,374, A>T on the plus strand (T>A on the coding strand, the complement: SLC4A1 is on the minus strand). VCF-style: chr17-44257374-A-T. GRCh37 (hg19) VCF-style: chr17-42334742-A-T.
Other names: short protein forms Y534*.
Identifiers: ClinVar variation 2828959 (VCV002828959.3), dbSNP rs2509965517, ClinGen allele CA399785134.

ClinVar aggregate classification (germline): Pathogenic (1 of 4 stars; one submission).

Submission:

Labcorp Genetics (formerly Invitae), Labcorp
Classification: Pathogenic. Last evaluated: 2023-01-15. Review status: criteria provided, single submitter. Criteria: Invitae Variant Classification Sherloc (09022015). Collection method: clinical testing. Allele origin: germline.
Comment: For these reasons, this variant has been classified as Pathogenic. This sequence change creates a premature translational stop signal (p.Tyr534*) in the SLC4A1 gene. It is expected to result in an absent or disrupted protein product. Loss-of-function variants in SLC4A1 are known to be pathogenic (PMID: 8943874, 10926824, 23255290). This variant is not present in population databases (gnomAD no frequency). This variant has not been reported in the literature in individuals affected with SLC4A1-related conditions.

Literature cited by the submitters: PubMed 8943874; PubMed 10926824; PubMed 23255290.